The following is an entry in ClinVar:

ClinVar aggregate classification (germline): Uncertain significance. Review status: criteria provided, multiple submitters, no conflicts (2 of 4 stars). 2 submissions from 2 submitters: Uncertain significance (2). Last evaluated 2025-11-24.

Conditions:
Epidermolysis bullosa simplex 5B, with muscular dystrophy (EBS5B). Also called: Epidermolysis bullosa simplex with muscular dystrophy; EPIDERMOLYSIS BULLOSA SIMPLEX AND LIMB-GIRDLE MUSCULAR DYSTROPHY. Identifiers: Orphanet 257, MedGen C2931072, MONDO:0009181, OMIM 226670.
Epidermolysis bullosa simplex, Ogna type (EBS5A). Also called: Pidermolysis bullosa simplex 5A, Ogna type; EPIDERMOLYSIS BULLOSA SIMPLEX 5A, OGNA TYPE. Identifiers: Orphanet 79401, MedGen C0432317, MONDO:0007555, OMIM 131950.
Autosomal recessive limb-girdle muscular dystrophy type 2Q (LGMDR17). Also called: MUSCULAR DYSTROPHY, LIMB-GIRDLE, AUTOSOMAL RECESSIVE 17. Identifiers: Orphanet 254361, MedGen C3150989, MONDO:0013390, OMIM 613723.
Epidermolysis bullosa simplex with nail dystrophy (EBS5D). Identifiers: MedGen C4225309, MONDO:0014661, OMIM 616487.
Epidermolysis bullosa simplex 5C, with pyloric atresia (EBS5C). Also called: Epidermolysis bullosa simplex with pyloric atresia; PLEC-Related Epidermolysis Bullosa with Pyloric Atresia; PLEC1-Related Epidermolysis Bullosa with Pyloric Atresia. Identifiers: Orphanet 158684, MedGen C2677349, MONDO:0012807, OMIM 612138.

gnomAD v4.1: 1 of 1,598,744 alleles (0.000063%); highest among the groups gnomAD compares: Non-Finnish European, 0.000085%; no homozygotes.

Submissions (2):

Labcorp Genetics (formerly Invitae), Labcorp
Classification: Uncertain significance for Autosomal recessive limb-girdle muscular dystrophy type 2Q; Epidermolysis bullosa simplex, Ogna type; Epidermolysis bullosa simplex with nail dystrophy; Epidermolysis bullosa simplex 5C, with pyloric atresia; Epidermolysis bullosa simplex 5B, with muscular dystrophy. Last evaluated: 2025-11-24. Review status: criteria provided, single submitter. Criteria: Invitae Variant Classification Sherloc (09022015). Collection method: clinical testing. Allele origin: germline.
Comment: This sequence change replaces alanine, which is neutral and non-polar, with threonine, which is neutral and polar, at codon 2158 of the PLEC protein (p.Ala2158Thr). This variant is not present in population databases (gnomAD no frequency). This variant has not been reported in the literature in individuals affected with PLEC-related conditions. ClinVar contains an entry for this variant (Variation ID: 3896396). An algorithm developed to predict the effect of missense changes on protein structure and function (PolyPhen-2) suggests that this variant is likely to be tolerated. In summary, the available evidence is currently insufficient to determine the role of this variant in disease. Therefore, it has been classified as a Variant of Uncertain Significance.

Women's Health and Genetics/Laboratory Corporation of America, LabCorp
Classification: Uncertain significance. Last evaluated: 2025-04-08. Review status: criteria provided, single submitter. Criteria: LabCorp Variant Classification Summary - May 2015. Collection method: clinical testing. Allele origin: germline.
Comment: Variant summary: PLEC c.6472G>A (p.Ala2158Thr) results in a non-conservative amino acid change in the encoded protein sequence. Three of three in-silico tools predict a damaging effect of the variant on protein function. The variant was absent in 224300 control chromosomes (gnomAD). The available data on variant occurrences in the general population are insufficient to allow any conclusion about variant significance. To our knowledge, no occurrence of c.6472G>A in individuals affected with Epidermolysis bullosa simplex 5C, with pyloric atresia and no experimental evidence demonstrating its impact on protein function have been reported. No submitters have cited clinical-significance assessments for this variant to ClinVar. Based on the evidence outlined above, the variant was classified as uncertain significance.

NM_201384.3(PLEC):c.6391G>A (p.Ala2131Thr)

Gene: PLEC (plectin; minus strand). Cytogenetic location: 8q24.3.
Variant type: single nucleotide variant.
Coding change: c.6391G>A on transcript NM_201384.3 (MANE Select); coding-DNA position 6391, G replaced by A.
Protein change: p.Ala2131Thr; replaces alanine 2131 with threonine.
Molecular consequence: missense variant. On other transcripts: intron variant (1).
Genome position (GRCh38, 1-based): chr8:143,923,538, C>T on the plus strand (G>A on the coding strand, the complement: PLEC is on the minus strand). VCF-style: chr8-143923538-C-T. GRCh37 (hg19) VCF-style: chr8-144997706-C-T.
Other names: c.6472G>A, p.Ala2158Thr (NM_000445.5); c.6349G>A, p.Ala2117Thr (NM_201378.4); c.6325G>A, p.Ala2109Thr (NM_201379.3); c.6802G>A, p.Ala2268Thr (NM_201380.4); c.6295G>A, p.Ala2099Thr (NM_201381.3); c.6391G>A, p.Ala2131Thr (NM_201382.4); c.6403G>A, p.Ala2135Thr (NM_201383.3); c.4126-1143G>A (NM_001410941.1); short protein forms A2099T, A2109T, A2117T, A2131T, A2135T, A2158T, A2268T.
Identifiers: ClinVar variation 3896396 (VCV003896396.3).